The following is an entry in ClinVar:

ClinVar aggregate classification (germline): Uncertain significance. Review status: criteria provided, multiple submitters, no conflicts (2 of 4 stars). 2 submissions from 2 submitters: Uncertain significance (2). Last evaluated 2022-07-06.

Conditions:
Moyamoya disease 2 (MYMY2). Also called: MOYAMOYA DISEASE 2, SUSCEPTIBILITY TO. Identifiers: Orphanet 2573, MedGen C1846689, MONDO:0011784, OMIM 607151.

Allele frequency attached by ClinVar (database versions not stated): ExAC 0.00001; gnomAD 0.00001; gnomAD exomes 0.00001; TOPMed 0.00003.
gnomAD v4.1: 11 of 1,614,134 alleles (0.00068%); highest among the groups gnomAD compares: Non-Finnish European, 0.00085%; no homozygotes.

Submissions (2):

Labcorp Genetics (formerly Invitae), Labcorp
Classification: Uncertain significance. Last evaluated: 2022-07-06. Review status: criteria provided, single submitter. Criteria: Invitae Variant Classification Sherloc (09022015). Collection method: clinical testing. Allele origin: germline.
Comment: In summary, the available evidence is currently insufficient to determine the role of this variant in disease. Therefore, it has been classified as a Variant of Uncertain Significance. Algorithms developed to predict the effect of missense changes on protein structure and function are either unavailable or do not agree on the potential impact of this missense change (SIFT: "Deleterious"; PolyPhen-2: "Probably Damaging"; Align-GVGD: "Class C0"). ClinVar contains an entry for this variant (Variation ID: 1443403). This variant has not been reported in the literature in individuals affected with RNF213-related conditions. This variant is present in population databases (rs750689562, gnomAD 0.007%). This sequence change replaces valine, which is neutral and non-polar, with methionine, which is neutral and non-polar, at codon 3974 of the RNF213 protein (p.Val3974Met).

Department of Pathology and Laboratory Medicine, Sinai Health System
Classification: Uncertain significance for Moyamoya disease 2. Last evaluated: 2021-07-30. Review status: criteria provided, single submitter. Criteria: ACMG Guidelines, 2015. Collection method: research. Allele origin: germline.

NM_001256071.3(RNF213):c.11920G>A (p.Val3974Met)

Genes: RNF213 (ring finger protein 213; plus strand), RNF213-AS1 (RNF213 antisense RNA 1; minus strand). Cytogenetic location: 17q25.3.
Variant type: single nucleotide variant.
Coding change: c.11920G>A on transcript NM_001256071.3 (MANE Select); coding-DNA position 11920, G replaced by A.
Protein change: p.Val3974Met; replaces valine 3974 with methionine.
Molecular consequence: missense variant.
Genome position (GRCh38, 1-based): chr17:80,367,796, G>A. VCF-style: chr17-80367796-G-A. GRCh37 (hg19) VCF-style: chr17-78341596-G-A.
Other names: short protein forms V3974M.
Identifiers: ClinVar variation 1443403 (VCV001443403.9), dbSNP rs750689562, ClinGen allele CA8822028.
Genomic context (GRCh38, chr17:80,367,796, plus strand): 5'-GCCTTTCTTCAGTGTCTTCGAGAGAACTCTGACGTGAAGACGCACGGGCCTTTTGAGGCC[G>A]TGATGCGCACTCTCTGTGAATGCAAGGAGACAGCCAGCAAGACCCTCAGCAGGTGAGACC-3'
Protein context (NP_001243000.2, residues 3964-3984): DVKTHGPFEA[Val3974Met]MRTLCECKET